The following is an entry in ClinVar:

ClinVar aggregate classification (germline): Uncertain significance (1 of 4 stars; one submission).

Conditions:
Baller-Gerold syndrome (BGS). Also called: CRANIOSYNOSTOSIS WITH RADIAL DEFECTS. Identifiers: Orphanet 1225, MedGen C0265308, MONDO:0009039, OMIM 218600.

Submission:

Labcorp Genetics (formerly Invitae), Labcorp
Classification: Uncertain significance for Baller-Gerold syndrome. Last evaluated: 2024-04-01. Review status: criteria provided, single submitter. Criteria: Invitae Variant Classification Sherloc (09022015). Collection method: clinical testing. Allele origin: germline.
Comment: This sequence change replaces arginine, which is basic and polar, with lysine, which is basic and polar, at codon 1017 of the RECQL4 protein (p.Arg1017Lys). This variant is not present in population databases (gnomAD no frequency). This variant has not been reported in the literature in individuals affected with RECQL4-related conditions. ClinVar contains an entry for this variant (Variation ID: 459451). Algorithms developed to predict the effect of missense changes on protein structure and function output the following: SIFT: "Not Available"; PolyPhen-2: "Not Available"; Align-GVGD: "Not Available". The lysine amino acid residue is found in multiple mammalian species, which suggests that this missense change does not adversely affect protein function. In summary, the available evidence is currently insufficient to determine the role of this variant in disease. Therefore, it has been classified as a Variant of Uncertain Significance.

NM_004260.4(RECQL4):c.3050G>A (p.Arg1017Lys)

Gene: RECQL4 (RecQ like helicase 4; minus strand). Cytogenetic location: 8q24.3.
Variant type: single nucleotide variant.
Coding change: c.3050G>A on transcript NM_004260.4 (MANE Select); coding-DNA position 3050, G replaced by A.
Protein change: p.Arg1017Lys; replaces arginine 1017 with lysine.
Molecular consequence: missense variant.
Genome position (GRCh38, 1-based): chr8:144,512,397, C>T on the plus strand (G>A on the coding strand, the complement: RECQL4 is on the minus strand). VCF-style: chr8-144512397-C-T. GRCh37 (hg19) VCF-style: chr8-145737780-C-T.
Other names: short protein forms R1017K.
Identifiers: ClinVar variation 459451 (VCV000459451.6), dbSNP rs1554896820, ClinGen allele CA372671093.